The following is an entry in ClinVar:

NM_000180.4(GUCY2D):c.1027G>T (p.Val343Phe)

Gene: GUCY2D (guanylate cyclase 2D, retinal; plus strand). Cytogenetic location: 17p13.1.
Variant type: single nucleotide variant.
Coding change: c.1027G>T on transcript NM_000180.4 (MANE Select); coding-DNA position 1027, G replaced by T.
Protein change: p.Val343Phe; replaces valine 343 with phenylalanine.
Molecular consequence: missense variant.
Genome position (GRCh38, 1-based): chr17:8,006,363, G>T. VCF-style: chr17-8006363-G-T. GRCh37 (hg19) VCF-style: chr17-7909681-G-T.
Other names: short protein forms V343F.
Identifiers: ClinVar variation 2944543 (VCV002944543.3), dbSNP rs2545420063, ClinGen allele CA397947604.

ClinVar aggregate classification (germline): Uncertain significance (1 of 4 stars; one submission).

Conditions:
Leber congenital amaurosis 1 (LCA1). Also called: Congenital absence of the rods and cones; Leber's congenital tapetoretinal degeneration; Leber's congenital tapetoretinal dysplasia; AMAUROSIS CONGENITA OF LEBER I; RETINAL BLINDNESS, CONGENITAL. Identifiers: Orphanet 65, MedGen C2931258, MONDO:0008764, OMIM 204000.
Cone-rod dystrophy 6 (CORD6). Also called: Cone dystrophy progressive; RETINAL CONE DYSTROPHY 2. Identifiers: Orphanet 1872, MedGen C1866293, MONDO:0011143, OMIM 601777.

Submission:

Labcorp Genetics (formerly Invitae), Labcorp
Classification: Uncertain significance for Leber congenital amaurosis 1; Cone-rod dystrophy 6. Last evaluated: 2023-05-23. Review status: criteria provided, single submitter. Criteria: Invitae Variant Classification Sherloc (09022015). Collection method: clinical testing. Allele origin: germline.
Comment: This sequence change replaces valine, which is neutral and non-polar, with phenylalanine, which is neutral and non-polar, at codon 343 of the GUCY2D protein (p.Val343Phe). This variant is not present in population databases (gnomAD no frequency). This variant has not been reported in the literature in individuals affected with GUCY2D-related conditions. An algorithm developed to predict the effect of missense changes on protein structure and function (PolyPhen-2) suggests that this variant is likely to be disruptive. In summary, the available evidence is currently insufficient to determine the role of this variant in disease. Therefore, it has been classified as a Variant of Uncertain Significance.